The following is an entry in ClinVar:

ClinVar aggregate classification (germline): Uncertain significance (1 of 4 stars; one submission).

Conditions:
Charcot-Marie-Tooth disease type 4. Also called: Charcot-Marie-Tooth, Type 4; Charcot-Marie-Tooth disease, type IV. Identifiers: Orphanet 64749, MedGen C4082197, MONDO:0018995.

Submission:

Labcorp Genetics (formerly Invitae), Labcorp
Classification: Uncertain significance for Charcot-Marie-Tooth disease type 4. Last evaluated: 2022-03-03. Review status: criteria provided, single submitter. Criteria: Invitae Variant Classification Sherloc (09022015). Collection method: clinical testing. Allele origin: germline.
Comment: In summary, the available evidence is currently insufficient to determine the role of this variant in disease. Therefore, it has been classified as a Variant of Uncertain Significance. Algorithms developed to predict the effect of missense changes on protein structure and function are either unavailable or do not agree on the potential impact of this missense change (SIFT: "Deleterious"; PolyPhen-2: "Probably Damaging"; Align-GVGD: "Class C0"). This variant has not been reported in the literature in individuals affected with SBF2-related conditions. This variant is not present in population databases (gnomAD no frequency). This sequence change replaces serine, which is neutral and polar, with leucine, which is neutral and non-polar, at codon 1405 of the SBF2 protein (p.Ser1405Leu).

NM_030962.4(SBF2):c.4214C>T (p.Ser1405Leu)

Genes: SBF2 (SET binding factor 2; minus strand), SBF2-AS1 (SBF2 antisense RNA 1; plus strand). Cytogenetic location: 11p15.4.
Variant type: single nucleotide variant.
Coding change: c.4214C>T on transcript NM_030962.4 (MANE Select); coding-DNA position 4214, C replaced by T.
Protein change: p.Ser1405Leu; replaces serine 1405 with leucine.
Molecular consequence: missense variant. On other transcripts: non-coding transcript variant (1).
Genome position (GRCh38, 1-based): chr11:9,808,944, G>A on the plus strand (C>T on the coding strand, the complement: SBF2 is on the minus strand). VCF-style: chr11-9808944-G-A. GRCh37 (hg19) VCF-style: chr11-9830491-G-A.
Other names: c.4310C>T, p.Ser1437Leu (NM_001386339.1); c.4085C>T, p.Ser1362Leu (NM_001386342.1); short protein forms S1405L, S1437L, S1362L.
Identifiers: ClinVar variation 2105998 (VCV002105998.4), dbSNP rs2494604104, ClinGen allele CA379642114.